The following is an entry in ClinVar:

NM_001330260.2(SCN8A):c.5761A>C (p.Thr1921Pro)

Gene: SCN8A (sodium voltage-gated channel alpha subunit 8; plus strand). Cytogenetic location: 12q13.13.
Variant type: single nucleotide variant.
Coding change: c.5761A>C on transcript NM_001330260.2 (MANE Select); coding-DNA position 5761, A replaced by C.
Protein change: p.Thr1921Pro; replaces threonine 1921 with proline.
Molecular consequence: missense variant.
Genome position (GRCh38, 1-based): chr12:51,807,247, A>C. VCF-style: chr12-51807247-A-C. GRCh37 (hg19) VCF-style: chr12-52201031-A-C.
Other names: p.T1921P:ACT>CCT; p.Thr1921Pro; c.5638A>C, p.Thr1880Pro (NM_001177984.3, NM_001369788.1); c.5761A>C, p.Thr1921Pro (NM_014191.4); short protein forms T1921P, T1880P.
Identifiers: ClinVar variation 207133 (VCV000207133.60), dbSNP rs368796221, ClinGen allele CA318303.

ClinVar aggregate classification (germline): Conflicting classifications of pathogenicity. Review status: criteria provided, conflicting classifications (1 of 4 stars). 6 submissions from 6 submitters: Uncertain significance (1); Benign (1); Likely benign (4). Last evaluated 2025-07-11.

Conditions:
Inborn genetic diseases. Identifiers: MedGen C0950123, MeSH D030342.
Early-infantile DEE. Also called: Ohtahara syndrome; Early infantile epileptic encephalopathy; Early infantile epileptic encephalopathy with suppression bursts. Identifiers: Orphanet 1934, MedGen C0393706, MONDO:0800491.

Allele frequency attached by ClinVar (database versions not stated): gnomAD 0.00011; TOPMed 0.00012; ESP Exome Variant Server 0.00016.
gnomAD v4.1: 289 of 1,613,886 alleles (0.018%); highest among the groups gnomAD compares: Non-Finnish European, 0.023%; no homozygotes.

Submissions (6):

Mayo Clinic Laboratories, Mayo Clinic
Classification: Benign. Last evaluated: 2025-07-11. Review status: criteria provided, single submitter. Criteria: ACMG Guidelines, 2015. Collection method: clinical testing. Allele origin: germline. Observed: 1 variant allele.
Comment: BA1

Labcorp Genetics (formerly Invitae), Labcorp
Classification: Likely benign for Early-infantile DEE. Last evaluated: 2025-05-22. Review status: criteria provided, single submitter. Criteria: Invitae Variant Classification Sherloc (09022015). Collection method: clinical testing. Allele origin: germline.

Blueprint Genetics
Classification: Likely benign. Last evaluated: 2024-09-13. Review status: criteria provided, single submitter. Criteria: ACMG Guidelines, 2015. Collection method: clinical testing. Allele origin: germline.

GeneDx
Classification: Likely benign. Last evaluated: 2020-06-17. Review status: criteria provided, single submitter. Criteria: GeneDx Variant Classification Process June 2021. Collection method: clinical testing. Allele origin: germline. Affected: yes.

CeGaT Center for Human Genetics Tuebingen
Classification: Uncertain significance. Last evaluated: 2019-09-01. Review status: criteria provided, single submitter. Criteria: CeGaT Center For Human Genetics Tuebingen Variant Classification Criteria Version 2. Collection method: clinical testing. Allele origin: germline. Affected: yes. Observed: 1 variant allele.

Ambry Genetics
Classification: Likely benign for Inborn genetic diseases. Last evaluated: 2016-10-05. Review status: criteria provided, single submitter. Criteria: Ambry Variant Classification Scheme 2023. Collection method: clinical testing. Allele origin: germline.